The following is an entry in ClinVar:

ClinVar aggregate classification (germline): Likely pathogenic (1 of 4 stars; one submission).

Conditions:
Diarrhea 11, malabsorptive, congenital. Also called: INTRACTABLE DIARRHEA OF INFANCY SYNDROME. Identifiers: MedGen C5231449, MONDO:0032857, OMIM 618662.

Submission:

Department of Pediatrics, GMC Srinagar, Government Medical College Srinagar
Classification: Likely pathogenic for Diarrhea 11, malabsorptive, congenital. Last evaluated: 2026-04-17. Review status: criteria provided, single submitter. Criteria: ACMG Guidelines, 2015. Collection method: clinical testing. Allele origin: biparental. Inheritance: Autosomal recessive inheritance. Affected: yes. Observed: 1 variant allele, 1 homozygote.
Comment: This variant (hg38 - chr16:1432781 C>G) is classified as likely pathogenic as it is a stop-gain variant (p.Ser63Ter) and is not reported in population databases [e.g., gnomAD v.4.1.0, TOPMed (Bravo) f10, etc.]. Indication for testing: Congenital diarrhea/enteropathy. (Case/variant details published - PMID: 41577959)

Literature cited by the submitters: PubMed 41577959.

NM_001365310.2(PERCC1):c.188C>G (p.Ser63Ter)

Gene: PERCC1 (proline and glutamate rich with coiled coil 1; plus strand). Cytogenetic location: 16p13.3.
Variant type: single nucleotide variant.
Coding change: c.188C>G on transcript NM_001365310.2 (MANE Select); coding-DNA position 188, C replaced by G.
Protein change: p.Ser63Ter; replaces serine 63 with a stop codon.
Molecular consequence: nonsense.
Genome position (GRCh38, 1-based): chr16:1,432,781, C>G. VCF-style: chr16-1432781-C-G. GRCh37 (hg19) VCF-style: chr16-1482782-C-G.
Other names: short protein forms S63*.
Identifiers: ClinVar variation 4073527 (VCV004073527.2).
Genomic context (GRCh38, chr16:1,432,781, plus strand): 5'-AGGAGGAGGAGGAGGGCGAGGGCGAGGGGCTGGGGGGCTGCGGCCGGATCCTCCCGAGCT[C>G]AGGCCGGGCAGAGGCCACGGAGGAAGCAGCCCCCGAGGGTCCCGGCAGCCCCGAGACCCC-3'